The following is an entry in ClinVar:

NM_001283009.2(RTEL1):c.217G>T (p.Ala73Ser)

Genes: RTEL1 (regulator of telomere elongation helicase 1; plus strand), RTEL1-TNFRSF6B (RTEL1-TNFRSF6B readthrough (NMD candidate); plus strand). Cytogenetic location: 20q13.33.
Variant type: single nucleotide variant.
Coding change: c.217G>T on transcript NM_001283009.2 (MANE Select); coding-DNA position 217, G replaced by T.
Protein change: p.Ala73Ser; replaces alanine 73 with serine.
Molecular consequence: missense variant. On other transcripts: non-coding transcript variant (1), 5 prime UTR variant (1).
Genome position (GRCh38, 1-based): chr20:63,661,412, G>T. VCF-style: chr20-63661412-G-T. GRCh37 (hg19) VCF-style: chr20-62292765-G-T.
Other names: c.-453G>T (NM_001283010.1); c.217G>T, p.Ala73Ser (NM_016434.4, NM_032957.5); short protein forms A73S.
Identifiers: ClinVar variation 844435 (VCV000844435.9), dbSNP rs774311444, ClinGen allele CA317497736.

ClinVar aggregate classification (germline): Uncertain significance. Review status: criteria provided, multiple submitters, no conflicts (2 of 4 stars). 4 submissions from 4 submitters: Uncertain significance (3). 1 of the submissions does not count toward it. Last evaluated 2025-09-08.

Conditions:
Dyskeratosis congenita. Identifiers: Orphanet 1775, MedGen C0265965, MONDO:0015780.
Dyskeratosis congenita, autosomal recessive 5 (DKCB5). Identifiers: MedGen C3554656, MONDO:0014076, OMIM 615190.
Pulmonary fibrosis and/or bone marrow failure, Telomere-related, 3. Also called: PULMONARY FIBROSIS AND/OR BONE MARROW FAILURE SYNDROME, TELOMERE-RELATED, 3. Identifiers: Orphanet 2032, MedGen C4225346, MONDO:0014613, OMIM 616373.
Inborn genetic diseases. Identifiers: MedGen C0950123, MeSH D030342.

Allele frequency attached by ClinVar (database versions not stated): gnomAD 0.00001; gnomAD exomes 0.00001; TOPMed 0.00001.
gnomAD v4.1: 9 of 1,613,806 alleles (0.00056%); highest among the groups gnomAD compares: Middle Eastern, 0.016%; no homozygotes.

Submissions (4):

Labcorp Genetics (formerly Invitae), Labcorp
Classification: Uncertain significance for Dyskeratosis congenita, autosomal recessive 5; Pulmonary fibrosis and/or bone marrow failure, Telomere-related, 3. Last evaluated: 2025-09-08. Review status: criteria provided, single submitter. Criteria: Invitae Variant Classification Sherloc (09022015). Collection method: clinical testing. Allele origin: germline.
Comment: This sequence change replaces alanine, which is neutral and non-polar, with serine, which is neutral and polar, at codon 73 of the RTEL1 protein (p.Ala73Ser). This variant is not present in population databases (gnomAD no frequency). This variant has not been reported in the literature in individuals affected with RTEL1-related conditions. ClinVar contains an entry for this variant (Variation ID: 844435). An algorithm developed to predict the effect of missense changes on protein structure and function (PolyPhen-2) suggests that this variant is likely to be disruptive. In summary, the available evidence is currently insufficient to determine the role of this variant in disease. Therefore, it has been classified as a Variant of Uncertain Significance.

Ambry Genetics
Classification: Uncertain significance for Inborn genetic diseases. Last evaluated: 2024-12-15. Review status: criteria provided, single submitter. Criteria: Ambry Variant Classification Scheme 2023. Collection method: clinical testing. Allele origin: germline.
Comment: The p.A73S variant (also known as c.217G>T), located in coding exon 2 of the RTEL1 gene, results from a G to T substitution at nucleotide position 217. The alanine at codon 73 is replaced by serine, an amino acid with similar properties. This amino acid position is conserved. In addition, this alteration is predicted to be tolerated by in silico analysis. Based on the available evidence, the clinical significance of this variant remains unclear.

Blueprint Genetics
Classification: Uncertain significance. Last evaluated: 2021-06-11. Review status: criteria provided, single submitter. Criteria: ACMG Guidelines, 2015. Collection method: clinical testing. Allele origin: germline.

Natera, Inc.
Classification: Uncertain significance for Dyskeratosis congenita. Last evaluated: 2021-09-16. Review status: no assertion criteria provided. Collection method: clinical testing. Allele origin: germline. Not counted in ClinVar's aggregate classification.